The following is an entry in ClinVar:

NM_005591.4(MRE11):c.1488A>T (p.Lys496Asn)

Gene: MRE11 (MRE11 double strand break repair nuclease; minus strand). Cytogenetic location: 11q21.
Variant type: single nucleotide variant.
Coding change: c.1488A>T on transcript NM_005591.4 (MANE Select); coding-DNA position 1488, A replaced by T.
Protein change: p.Lys496Asn; replaces lysine 496 with asparagine.
Molecular consequence: missense variant.
Genome position (GRCh38, 1-based): chr11:94,459,420, T>A on the plus strand (A>T on the coding strand, the complement: MRE11 is on the minus strand). VCF-style: chr11-94459420-T-A. GRCh37 (hg19) VCF-style: chr11-94192586-T-A.
Other names: c.1488A>T, p.Lys496Asn (NM_001330347.2, NM_005590.4); short protein forms K496N.
Identifiers: ClinVar variation 3224825 (VCV003224825.1), dbSNP rs2496384142, ClinGen allele CA382371653.

ClinVar aggregate classification (germline): Uncertain significance (1 of 4 stars; one submission).

Conditions:
Hereditary cancer-predisposing syndrome. Also called: Tumor predisposition; Hereditary neoplastic syndrome; Hereditary Cancer Syndrome; Neoplastic Syndromes, Hereditary. Identifiers: Orphanet 140162, MedGen C0027672, MeSH D009386, MONDO:0015356.

Submission:

Ambry Genetics
Classification: Uncertain significance for Hereditary cancer-predisposing syndrome. Last evaluated: 2023-12-25. Review status: criteria provided, single submitter. Criteria: Ambry Variant Classification Scheme 2023. Collection method: clinical testing. Allele origin: germline.
Comment: The p.K496N variant (also known as c.1488A>T), located in coding exon 12 of the MRE11A gene, results from an A to T substitution at nucleotide position 1488. The lysine at codon 496 is replaced by asparagine, an amino acid with similar properties. This amino acid position is conserved. In addition, this alteration is predicted to be tolerated by in silico analysis. Since supporting evidence is limited at this time, the clinical significance of this alteration remains unclear.